The following is an entry in ClinVar:

ClinVar aggregate classification (germline): Pathogenic. Review status: criteria provided, multiple submitters, no conflicts (2 of 4 stars). 2 submissions from 2 submitters: Pathogenic (2). Last evaluated 2025-10-31.

Conditions:
Hereditary cancer-predisposing syndrome. Also called: Neoplastic Syndromes, Hereditary; Tumor predisposition; Hereditary Cancer Syndrome; Hereditary neoplastic syndrome. Identifiers: Orphanet 140162, MedGen C0027672, MeSH D009386, MONDO:0015356.
Lynch syndrome 5 (LYNCH5). Also called: Hereditary non-polyposis colorectal cancer, type 5; Colorectal cancer, hereditary nonpolyposis, type 5. Identifiers: Orphanet 144, MedGen C1833477, MONDO:0013710, OMIM 614350. Disease mechanism: loss of function.

Submissions (2):

Myriad Genetics, Inc.
Classification: Pathogenic for Lynch syndrome 5. Last evaluated: 2025-10-31. Review status: criteria provided, single submitter. Criteria: Myriad Autosomal Dominant, Autosomal Recessive and X-Linked Classification Criteria (2023). Collection method: clinical testing. Allele origin: unknown.
Comment: This variant is considered pathogenic. This variant creates a termination codon and is predicted to result in premature protein truncation.

Ambry Genetics
Classification: Pathogenic for Hereditary cancer-predisposing syndrome. Last evaluated: 2021-08-03. Review status: criteria provided, single submitter. Criteria: Ambry Variant Classification Scheme 2023. Collection method: clinical testing. Allele origin: germline.
Comment: The p.S1094* pathogenic mutation (also known as c.3281C>A), located in coding exon 5 of the MSH6 gene, results from a C to A substitution at nucleotide position 3281. This changes the amino acid from a serine to a stop codon within coding exon 5. This alteration is expected to result in loss of function by premature protein truncation or nonsense-mediated mRNA decay. As such, this alteration is interpreted as a disease-causing mutation.

NM_000179.3(MSH6):c.3281C>A (p.Ser1094Ter)

Gene: MSH6 (mutS homolog 6; plus strand). Cytogenetic location: 2p16.3.
Variant type: single nucleotide variant.
Coding change: c.3281C>A on transcript NM_000179.3 (MANE Select); coding-DNA position 3281, C replaced by A.
Protein change: p.Ser1094Ter; replaces serine 1094 with a stop codon.
Molecular consequence: nonsense.
Genome position (GRCh38, 1-based): chr2:47,803,528, C>A. VCF-style: chr2-47803528-C-A. GRCh37 (hg19) VCF-style: chr2-48030667-C-A.
Other names: c.2375C>A, p.Ser792Ter (NM_001281493.2, NM_001281494.2, NM_001406811.1 and 6 more transcripts); c.2756C>A, p.Ser919Ter (NM_001406799.1, NM_001406806.1, NM_001406807.1); c.3281C>A, p.Ser1094Ter (NM_001406796.1, NM_001406800.1, NM_001406808.1 and 1 more transcripts); c.3377C>A, p.Ser1126Ter (NM_001406795.1, NM_001406802.1); c.2984C>A, p.Ser995Ter (NM_001406797.1, NM_001406801.1, NM_001406805.1 and 10 more transcripts); c.2891C>A, p.Ser964Ter (NM_001281492.2); c.2417C>A, p.Ser806Ter (NM_001406803.1); c.3203C>A, p.Ser1068Ter (NM_001406804.1); and 6 more; short protein forms S1094*, S409*, S919*, S995*, S1068*, S1096*, S964*, S1038*.
Identifiers: ClinVar variation 1729742 (VCV001729742.3), dbSNP rs774147100, ClinGen allele CA346758342.